The following is an entry in ClinVar:

ClinVar aggregate classification (germline): Benign/Likely benign. Review status: criteria provided, multiple submitters, no conflicts (2 of 4 stars). 5 submissions from 5 submitters: Benign (2); Likely benign (2). 1 of the submissions does not count toward it. Last evaluated 2026-02-04.

Conditions:
Beta-D-mannosidosis (MANSB). Also called: LYSOSOMAL BETA-MANNOSIDASE DEFICIENCY; Beta-Mannosidosis; MANNOSIDOSIS, BETA A, LYSOSOMAL; BETA-MANNOSIDASE DEFICIENCY. Identifiers: Orphanet 118, MedGen C4048196, MONDO:0009562, OMIM 248510.

Allele frequency attached by ClinVar (database versions not stated): 1000 Genomes Project 0.00459; TOPMed 0.00898; gnomAD 0.01024 and 0.01028; gnomAD exomes 0.01356 and 0.01315; ExAC 0.01392; 1000 Genomes Project 30x 0.00437; ESP Exome Variant Server 0.01123.
gnomAD v4.1: 17,846 of 1,353,440 alleles (1.3%); highest among the groups gnomAD compares: South Asian, 1.6%; 175 homozygotes.

Submissions (5):

Labcorp Genetics (formerly Invitae), Labcorp
Classification: Benign for Beta-D-mannosidosis. Last evaluated: 2026-02-04. Review status: criteria provided, single submitter. Criteria: Invitae Variant Classification Sherloc (09022015). Collection method: clinical testing. Allele origin: germline.

GeneDx
Classification: Likely benign. Last evaluated: 2020-09-30. Review status: criteria provided, single submitter. Criteria: GeneDx Variant Classification Process June 2021. Collection method: clinical testing. Allele origin: germline. Affected: yes.

Illumina Laboratory Services, Illumina
Classification: Benign for Beta-D-mannosidosis. Last evaluated: 2018-01-12. Review status: criteria provided, single submitter. Criteria: ICSL Variant Classification Criteria 13 December 2019. Collection method: clinical testing. Allele origin: germline.
Comment: This variant was observed in the ICSL laboratory as part of a predisposition screen in an ostensibly healthy population. It had not been previously curated by ICSL or reported in the Human Gene Mutation Database (HGMD: prior to June 1st, 2018), and was therefore a candidate for classification through an automated scoring system. Utilizing variant allele frequency, disease prevalence and penetrance estimates, and inheritance mode, an automated score was calculated to assess if this variant is too frequent to cause the disease. Based on the score and internal cut-off values, a variant classified as benign is not then subjected to further curation. The score for this variant resulted in a classification of benign for this disease.

Breakthrough Genomics
Classification: Likely benign. Review status: criteria provided, single submitter. Criteria: ACMG Guidelines, 2015. Collection method: not provided. Allele origin: germline. Inheritance: Autosomal recessive inheritance. Affected: yes.

Mayo Clinic Laboratories, Mayo Clinic
Classification: Benign. Last evaluated: 2017-08-09. Review status: no assertion criteria provided. Collection method: clinical testing. Allele origin: unknown. Not counted in ClinVar's aggregate classification.

NM_005908.4(MANBA):c.178-8A>G

Gene: MANBA (mannosidase beta; minus strand). Cytogenetic location: 4q24.
Variant type: single nucleotide variant.
Coding change: c.178-8A>G on transcript NM_005908.4 (MANE Select); 8 bases into the intron before coding-DNA position 178, A replaced by G.
Molecular consequence: intron variant.
Genome position (GRCh38, 1-based): chr4:102,726,691, T>C on the plus strand (A>G on the coding strand, the complement: MANBA is on the minus strand). VCF-style: chr4-102726691-T-C. GRCh37 (hg19) VCF-style: chr4-103647848-T-C.
Identifiers: ClinVar variation 347100 (VCV000347100.19), dbSNP rs113584126, ClinGen allele CA3027301.
Genomic context (GRCh38, chr4:102,726,691, plus strand): 5'-TTATCCAAAGAGACCCATCTGTAGTTAAGGTCATTAAATCTGTAGTAAGAATCCTGTTGA[T>C]ACAAGGTAAAAATTATGGTAGATGGTTAAATATGCACAAATAAATTAATAAAACAAACAT-3'